The following is an entry in ClinVar:

NM_015378.4(VPS13D):c.793A>G (p.Ile265Val)

Gene: VPS13D (vacuolar protein sorting 13 homolog D; plus strand). Cytogenetic location: 1p36.22.
Variant type: single nucleotide variant.
Coding change: c.793A>G on transcript NM_015378.4 (MANE Select); coding-DNA position 793, A replaced by G.
Protein change: p.Ile265Val; replaces isoleucine 265 with valine.
Molecular consequence: missense variant.
Genome position (GRCh38, 1-based): chr1:12,256,456, A>G. VCF-style: chr1-12256456-A-G. GRCh37 (hg19) VCF-style: chr1-12316513-A-G.
Other names: c.793A>G, p.Ile265Val (NM_018156.4); short protein forms I265V.
Identifiers: ClinVar variation 1941236 (VCV001941236.2), dbSNP rs531168507, ClinGen allele CA601320.

ClinVar aggregate classification (germline): Uncertain significance (1 of 4 stars; one submission).

Allele frequency attached by ClinVar (database versions not stated): ExAC 0.00001; gnomAD 0.00001; gnomAD exomes 0.00001; TOPMed 0.00001; 1000 Genomes Project 30x 0.00016; 1000 Genomes Project 0.00020.
gnomAD v4.1: 8 of 1,614,132 alleles (0.0005%); highest among the groups gnomAD compares: Admixed American, 0.0017%; no homozygotes.

Submission:

Labcorp Genetics (formerly Invitae), Labcorp
Classification: Uncertain significance. Last evaluated: 2022-08-31. Review status: criteria provided, single submitter. Criteria: Invitae Variant Classification Sherloc (09022015). Collection method: clinical testing. Allele origin: germline.
Comment: This sequence change replaces isoleucine, which is neutral and non-polar, with valine, which is neutral and non-polar, at codon 265 of the VPS13D protein (p.Ile265Val). This variant is present in population databases (rs531168507, gnomAD 0.003%). This variant has not been reported in the literature in individuals affected with VPS13D-related conditions. Algorithms developed to predict the effect of missense changes on protein structure and function output the following: SIFT: "Not Available"; PolyPhen-2: "Benign"; Align-GVGD: "Not Available". The valine amino acid residue is found in multiple mammalian species, which suggests that this missense change does not adversely affect protein function. In summary, the available evidence is currently insufficient to determine the role of this variant in disease. Therefore, it has been classified as a Variant of Uncertain Significance.